The following is an entry in ClinVar:

NM_001267550.2(TTN):c.97441G>A (p.Gly32481Arg)

Genes: TTN (titin; minus strand), TTN-AS1 (TTN antisense RNA 1; plus strand). Cytogenetic location: 2q31.2.
Variant type: single nucleotide variant.
Coding change: c.97441G>A on transcript NM_001267550.2 (MANE Select); coding-DNA position 97441, G replaced by A.
Protein change: p.Gly32481Arg; replaces glycine 32481 with arginine.
Molecular consequence: missense variant. On other transcripts: non-coding transcript variant (1).
Genome position (GRCh38, 1-based): chr2:178,542,315, C>T on the plus strand (G>A on the coding strand, the complement: TTN is on the minus strand). VCF-style: chr2-178542315-C-T. GRCh37 (hg19) VCF-style: chr2-179407042-C-T.
Other names: c.92518G>A, p.Gly30840Arg (NM_001256850.1); c.70246G>A, p.Gly23416Arg (NM_003319.4); c.89737G>A, p.Gly29913Arg (NM_133378.4); c.70621G>A, p.Gly23541Arg (NM_133432.3); c.70822G>A, p.Gly23608Arg (NM_133437.4); short protein forms G29913R, G32481R, G30840R, G23416R, G23541R, G23608R.
Identifiers: ClinVar variation 191840 (VCV000191840.10), dbSNP rs111616037, ClinGen allele CA237674.
Genomic context (GRCh38, chr2:178,542,315, plus strand): 5'-TGGACTTACGGATGCTGCTGCGACACTCTATGACCTCAGACTGCAAGTAAGAGCCAATCC[C>T]GAAGCGGTTTGTTGCAGCCACACGGAACACATACTCATTTCCTTCGGTGAGTCTGGTAAA-3'
Protein context (NP_001254479.2, residues 32471-32491): VFRVAATNRF[Gly32481Arg]IGSYLQSEVI

ClinVar aggregate classification (germline): Uncertain significance. Review status: criteria provided, multiple submitters, no conflicts (2 of 4 stars). 4 submissions from 4 submitters: Uncertain significance (4). Last evaluated 2025-03-04.

Allele frequency attached by ClinVar (database versions not stated): ESP Exome Variant Server 0.00016; gnomAD 0.00004; TOPMed 0.00005.
gnomAD v4.1: 45 of 1,612,504 alleles (0.0028%); highest among the groups gnomAD compares: South Asian, 0.012%; no homozygotes.

Submissions (4):

Center for Genomic Medicine, Rigshospitalet, Copenhagen University Hospital
Classification: Uncertain significance. Last evaluated: 2025-03-04. Review status: criteria provided, single submitter. Criteria: ACMG Guidelines, 2015. Collection method: clinical testing. Allele origin: germline.

Revvity Omics, Revvity
Classification: Uncertain significance. Last evaluated: 2024-03-08. Review status: criteria provided, single submitter. Criteria: ACMG Guidelines, 2015. Collection method: clinical testing. Allele origin: germline.

Eurofins Ntd Llc (ga)
Classification: Uncertain significance. Last evaluated: 2015-09-04. Review status: criteria provided, single submitter. Criteria: EGL Classification Definitions 2015. Collection method: clinical testing. Allele origin: germline. Observed: 1 variant allele, 1 heterozygote.

Biesecker Lab/Clinical Genomics Section, National Institutes of Health
Classification: Uncertain significance. Last evaluated: 2013-06-24. Review status: criteria provided, single submitter. Criteria: Ng et al. (Circ Cardiovasc Genet. 2013). Collection method: research. Allele origin: unknown. Observed: 1 variant allele. Study: ClinSeq.
Comment: The study set was not selected for affection status in relation to any cancer. Pathogenicity categories were based on literature curation. See Pubmed ID:23861362 for details.

Medical sequencing